The following is an entry in ClinVar:

NM_000069.3(CACNA1S):c.1256G>A (p.Arg419His)

Gene: CACNA1S (calcium voltage-gated channel subunit alpha1 S; minus strand). Cytogenetic location: 1q32.1.
Variant type: single nucleotide variant.
Coding change: c.1256G>A on transcript NM_000069.3 (MANE Select); coding-DNA position 1256, G replaced by A.
Protein change: p.Arg419His; replaces arginine 419 with histidine.
Molecular consequence: missense variant.
Genome position (GRCh38, 1-based): chr1:201,083,299, C>T on the plus strand (G>A on the coding strand, the complement: CACNA1S is on the minus strand). VCF-style: chr1-201083299-C-T. GRCh37 (hg19) VCF-style: chr1-201052427-C-T.
Other names: short protein forms R419H.
Identifiers: ClinVar variation 451262 (VCV000451262.14), dbSNP rs370861322, ClinGen allele CA078097.

ClinVar aggregate classification (germline): Conflicting classifications of pathogenicity. Review status: criteria provided, conflicting classifications (1 of 4 stars). 9 submissions from 6 submitters: Uncertain significance (8); Likely benign (1). Last evaluated 2026-07-01.

Conditions:
Malignant hyperthermia, susceptibility to, 5 (MHS5). Also called: CACNA1S-Related Malignant Hyperthermia Susceptibility. Identifiers: Orphanet 423, MedGen C1866077, MONDO:0011163, OMIM 601887.
Hypokalemic periodic paralysis, type 1. Also called: Hypokalemic Periodic Paralysis Type 1 (AD); HypoPP. Identifiers: Orphanet 681, MedGen C3714580, MONDO:0042979, OMIM 170400.
Congenital myopathy 18. Also called: DIHYDROPYRIDINE RECEPTOR CONGENITAL MYOPATHY; DHPR CONGENITAL MYOPATHY; Myopathy, congenital, due to dihydropyridine receptor defect. Identifiers: MedGen C5830283, MONDO:0859514, OMIM 620246.
Inborn genetic diseases. Identifiers: MedGen C0950123, MeSH D030342.
Thyrotoxic periodic paralysis, susceptibility to, 1 (TTPP1). Identifiers: Orphanet 79102, MedGen C2749982, MONDO:0008570, OMIM 188580.

Allele frequency attached by ClinVar (database versions not stated): ExAC 0.00002; gnomAD exomes 0.00004; ESP Exome Variant Server 0.00008; gnomAD 0.00011; TOPMed 0.00012.
gnomAD v4.1: 87 of 1,614,058 alleles (0.0054%); highest among the groups gnomAD compares: African/African-American, 0.016%; 1 homozygote.

Submissions (9):

Ambry Genetics
Classification: Uncertain significance for Inborn genetic diseases. Last evaluated: 2026-07-01. Review status: criteria provided, single submitter. Criteria: Ambry Variant Classification Scheme 2023. Collection method: clinical testing. Allele origin: germline.
Comment: The p.R419H variant (also known as c.1256G>A), located in coding exon 10 of the CACNA1S gene, results from a G to A substitution at nucleotide position 1256. The arginine at codon 419 is replaced by histidine, an amino acid with highly similar properties. This amino acid position is conserved. In addition, this alteration is predicted to be deleterious by in silico analysis. Based on the available evidence, the clinical significance of this variant remains unclear.

Labcorp Genetics (formerly Invitae), Labcorp
Classification: Likely benign for Hypokalemic periodic paralysis, type 1; Malignant hyperthermia, susceptibility to, 5. Last evaluated: 2025-10-14. Review status: criteria provided, single submitter. Criteria: Invitae Variant Classification Sherloc (09022015). Collection method: clinical testing. Allele origin: germline.

Fulgent Genetics
Classification: Uncertain significance for Hypokalemic periodic paralysis, type 1; Thyrotoxic periodic paralysis, susceptibility to, 1; Malignant hyperthermia, susceptibility to, 5; Congenital myopathy 18. Last evaluated: 2024-05-28. Review status: criteria provided, single submitter. Criteria: ACMG Guidelines, 2015. Collection method: clinical testing. Allele origin: germline.

Color Diagnostics, LLC DBA Color Health
Classification: Uncertain significance for Malignant hyperthermia, susceptibility to, 5. Last evaluated: 2023-11-29. Review status: criteria provided, single submitter. Criteria: ACMG Guidelines, 2015. Collection method: clinical testing. Allele origin: germline.
Comment: This missense variant replaces arginine with histidine at codon 419 of the CACNA1S protein. Computational prediction suggests that this variant may have deleterious impact on protein structure and function. To our knowledge, functional studies have not been reported for this variant. This variant has not been reported in individuals affected with CACNA1S-related disorders in the literature. This variant has been identified in 10/282876 chromosomes in the general population by the Genome Aggregation Database (gnomAD). The available evidence is insufficient to determine the role of this variant in disease conclusively. Therefore, this variant is classified as a Variant of Uncertain Significance.

Genome-Nilou Lab
Classification: Uncertain significance for Malignant hyperthermia, susceptibility to, 5. Last evaluated: 2023-04-11. Review status: criteria provided, single submitter. Criteria: ACMG Guidelines, 2015. Collection method: clinical testing. Allele origin: germline. Affected: no.

Genome-Nilou Lab
Classification: Uncertain significance for Thyrotoxic periodic paralysis, susceptibility to, 1. Last evaluated: 2023-04-11. Review status: criteria provided, single submitter. Criteria: ACMG Guidelines, 2015. Collection method: clinical testing. Allele origin: germline. Affected: no.

Genome-Nilou Lab
Classification: Uncertain significance for Congenital myopathy 18. Last evaluated: 2023-04-11. Review status: criteria provided, single submitter. Criteria: ACMG Guidelines, 2015. Collection method: clinical testing. Allele origin: germline. Affected: no.

Genome-Nilou Lab
Classification: Uncertain significance for Hypokalemic periodic paralysis, type 1. Last evaluated: 2023-04-11. Review status: criteria provided, single submitter. Criteria: ACMG Guidelines, 2015. Collection method: clinical testing. Allele origin: germline. Affected: no.

GeneDx
Classification: Uncertain significance. Last evaluated: 2017-08-16. Review status: criteria provided, single submitter. Criteria: GeneDx Variant Classification (06012015). Collection method: clinical testing. Allele origin: germline. Affected: yes.
Comment: The R419H variant in the CACNA1S gene has not been reported previously as a pathogenic variant, nor as a benign variant, to our knowledge. This variant is not observed at a significant frequency in large population cohorts (Lek et al., 2016; 1000 Genomes Consortium et al., 2015; Exome Variant Server). The R419H variant is a conservative amino acid substitution, which is not likely to impact secondary protein structure as these residues share similar properties. This substitution occurs at a position that is conserved across species. In silico analysis predicts this variant is probably damaging to the protein structure/function. We interpret R419H as a variant of uncertain significance.